The following is an entry in ClinVar:

ClinVar aggregate classification (germline): Conflicting classifications of pathogenicity. Review status: criteria provided, conflicting classifications (1 of 4 stars). 5 submissions from 5 submitters: Uncertain significance (3); Likely benign (1). 1 of the submissions does not count toward it. Last evaluated 2025-10-18.

Conditions:
NOTCH2-related disorder. Also called: NOTCH2-related condition.
Alagille syndrome due to a NOTCH2 point mutation. Also called: Alagille syndrome 2. Identifiers: Orphanet 261629, Orphanet 52, MedGen C1857761, MONDO:0012439, OMIM 610205.
Hajdu-Cheney syndrome (HJCYS). Also called: ACROOSTEOLYSIS WITH OSTEOPOROSIS AND CHANGES IN SKULL AND MANDIBLE; SERPENTINE FIBULA-POLYCYSTIC KIDNEY SYNDROME; Acroosteolysis dominant type. Identifiers: Orphanet 955, MedGen C0917715, MONDO:0007057, OMIM 102500.

Allele frequency attached by ClinVar (database versions not stated): ExAC 0.00003; gnomAD exomes 0.00003 and 0.00008; TOPMed 0.00010; gnomAD 0.00011 and 0.00012.
gnomAD v4.1: 135 of 1,612,504 alleles (0.0084%); highest among the groups gnomAD compares: African/African-American, 0.019%; no homozygotes.

Submissions (5):

Labcorp Genetics (formerly Invitae), Labcorp
Classification: Uncertain significance for Hajdu-Cheney syndrome. Last evaluated: 2025-10-18. Review status: criteria provided, single submitter. Criteria: Invitae Variant Classification Sherloc (09022015). Collection method: clinical testing. Allele origin: germline.
Comment: This sequence change replaces arginine, which is basic and polar, with tryptophan, which is neutral and slightly polar, at codon 1372 of the NOTCH2 protein (p.Arg1372Trp). This variant is present in population databases (rs587778575, gnomAD 0.01%). This variant has not been reported in the literature in individuals affected with NOTCH2-related conditions. ClinVar contains an entry for this variant (Variation ID: 134974). Invitae Evidence Modeling of protein sequence and biophysical properties (such as structural, functional, and spatial information, amino acid conservation, physicochemical variation, residue mobility, and thermodynamic stability) indicates that this missense variant is not expected to disrupt NOTCH2 protein function with a negative predictive value of 80%. In summary, the available evidence is currently insufficient to determine the role of this variant in disease. Therefore, it has been classified as a Variant of Uncertain Significance.

PreventionGenetics, part of Exact Sciences
Classification: Likely benign for NOTCH2-related condition. Last evaluated: 2025-01-17. Review status: criteria provided, single submitter. Criteria: ACMG Guidelines, 2015. Collection method: clinical testing. Allele origin: germline.
Comment: This variant is classified as likely benign based on ACMG/AMP sequence variant interpretation guidelines (Richards et al. 2015 PMID: 25741868, with internal and published modifications).

Fulgent Genetics
Classification: Uncertain significance for Hajdu-Cheney syndrome; Alagille syndrome due to a NOTCH2 point mutation. Last evaluated: 2024-01-04. Review status: criteria provided, single submitter. Criteria: ACMG Guidelines, 2015. Collection method: clinical testing. Allele origin: germline.

Revvity Omics, Revvity
Classification: Uncertain significance. Last evaluated: 2021-02-08. Review status: criteria provided, single submitter. Criteria: ACMG Guidelines, 2015. Collection method: clinical testing. Allele origin: germline.

ITMI
No classification provided. Condition: AllHighlyPenetrant. Last evaluated: 2013-09-19. Review status: no classification provided. Collection method: reference population. Allele origin: germline. Not counted in ClinVar's aggregate classification.
Comment: Please see associated publication for description of ethnicities

Literature cited by the submitters: PubMed 24728327 (cited by ITMI).

NM_024408.4(NOTCH2):c.4114C>T (p.Arg1372Trp)

Gene: NOTCH2 (notch receptor 2; minus strand). Cytogenetic location: 1p12.
Variant type: single nucleotide variant.
Coding change: c.4114C>T on transcript NM_024408.4 (MANE Select); coding-DNA position 4114, C replaced by T.
Protein change: p.Arg1372Trp; replaces arginine 1372 with tryptophan.
Molecular consequence: missense variant.
Genome position (GRCh38, 1-based): chr1:119,925,702, G>A on the plus strand (C>T on the coding strand, the complement: NOTCH2 is on the minus strand). VCF-style: chr1-119925702-G-A. GRCh37 (hg19) VCF-style: chr1-120468325-G-A.
Other names: short protein forms R1372W.
Identifiers: ClinVar variation 134974 (VCV000134974.14), dbSNP rs587778575, ClinGen allele CA161275.